The following is an entry in ClinVar:

ClinVar aggregate classification (germline): Uncertain significance (1 of 4 stars; one submission).

Conditions:
Hereditary cancer-predisposing syndrome. Also called: Neoplastic Syndromes, Hereditary; Tumor predisposition; Hereditary Cancer Syndrome; Hereditary neoplastic syndrome. Identifiers: Orphanet 140162, MedGen C0027672, MeSH D009386, MONDO:0015356.

Submission:

Color Diagnostics, LLC DBA Color Health
Classification: Uncertain significance for Hereditary cancer-predisposing syndrome. Last evaluated: 2024-03-07. Review status: criteria provided, single submitter. Criteria: ACMG Guidelines, 2015. Collection method: clinical testing. Allele origin: germline.
Comment: This missense variant replaces methionine with arginine at codon 900 of the ATM protein. Computational prediction suggests that this variant may not impact protein structure and function (internally defined REVEL score threshold <= 0.5, PMID: 27666373). To our knowledge, functional studies have not been reported for this variant. This variant has not been reported in individuals affected with hereditary cancer in the literature. This variant has not been identified in the general population by the Genome Aggregation Database (gnomAD). The available evidence is insufficient to determine the role of this variant in disease conclusively. Therefore, this variant is classified as a Variant of Uncertain Significance.

NM_000051.4(ATM):c.2699T>G (p.Met900Arg)

Gene: ATM (ATM serine/threonine kinase; plus strand). Cytogenetic location: 11q22.3.
Variant type: single nucleotide variant.
Coding change: c.2699T>G on transcript NM_000051.4 (MANE Select); coding-DNA position 2699, T replaced by G.
Protein change: p.Met900Arg; replaces methionine 900 with arginine.
Molecular consequence: missense variant.
Genome position (GRCh38, 1-based): chr11:108,268,470, T>G. VCF-style: chr11-108268470-T-G. GRCh37 (hg19) VCF-style: chr11-108139197-T-G.
Other names: c.2699T>G, p.Met900Arg (NM_001351834.2); short protein forms M900R.
Identifiers: ClinVar variation 2774373 (VCV002774373.2), dbSNP rs863224558, ClinGen allele CA382545222.